The following is an entry in ClinVar:

ClinVar aggregate classification (germline): Pathogenic/Likely pathogenic. Review status: criteria provided, multiple submitters, no conflicts (2 of 4 stars). 2 submissions from 2 submitters: Pathogenic (1); Likely pathogenic (1). Last evaluated 2023-11-20.

Conditions:
Cornelia de Lange syndrome 1 (CDLS1). Also called: NIPBL-Related Cornelia de Lange Syndrome; TYPUS DEGENERATIVUS AMSTELODAMENSIS; Brachmann de Lange syndrome. Identifiers: Orphanet 199, MedGen C4551851, MONDO:0007387, OMIM 122470.

Submissions (2):

GeneDx
Classification: Pathogenic. Last evaluated: 2023-11-20. Review status: criteria provided, single submitter. Criteria: GeneDx Variant Classification Process June 2021. Collection method: clinical testing. Allele origin: germline. Affected: yes.
Comment: Published functional studies demonstrate that this variant causes abnormal splicing with skipping of exon 43 in a subset of transcripts (PMID: 31337854); Not observed at significant frequency in large population cohorts (gnomAD); This variant is associated with the following publications: (PMID: 25525159, 31337854, 17661813, 15318302)

Labcorp Genetics (formerly Invitae), Labcorp
Classification: Likely pathogenic for Cornelia de Lange syndrome 1. Last evaluated: 2018-08-07. Review status: criteria provided, single submitter. Criteria: Invitae Variant Classification Sherloc (09022015). Collection method: clinical testing. Allele origin: germline.
Comment: This sequence change falls in intron 43 of the NIPBL gene. It does not directly change the encoded amino acid sequence of the NIPBL protein, but it affects a nucleotide within the consensus splice site of the intron. This variant is not present in population databases (ExAC no frequency). This variant has been reported to segregate with disease in a family affected with Cornelia de Lange Syndrome (PMID: 15318302) and has also been reported in an additional, unrelated, affected individual (PMID: 17661813).Â¬â€ This variant is also known as c.7321+4A>G in the literature. Nucleotide substitutions within the consensus splice site are a relatively common cause of aberrant splicing (PMID: 17576681, 9536098). Algorithms developed to predict the effect of sequence changes on RNA splicing suggest that this variant is not likely to affect RNA splicing, but this prediction has not been confirmed by published transcriptional studies. In summary, the currently available evidence indicates that the variant is pathogenic, but additional data are needed to prove that conclusively. Therefore, this variant has been classified as Likely Pathogenic.

Literature cited by the submitters: PubMed 15318302 (cited by Labcorp Genetics (formerly Invitae), Labcorp); PubMed 17661813 (cited by Labcorp Genetics (formerly Invitae), Labcorp).

NM_133433.4(NIPBL):c.7410+4A>G

Gene: NIPBL (NIPBL cohesin loading factor; plus strand). Cytogenetic location: 5p13.2.
Variant type: single nucleotide variant.
Coding change: c.7410+4A>G on transcript NM_133433.4 (MANE Select); 4 bases into the intron after coding-DNA position 7410, A replaced by G.
Molecular consequence: intron variant.
Genome position (GRCh38, 1-based): chr5:37,057,336, A>G. VCF-style: chr5-37057336-A-G. GRCh37 (hg19) VCF-style: chr5-37057438-A-G.
Other names: c.7410+4A>G (NM_015384.5).
Identifiers: ClinVar variation 565358 (VCV000565358.5), dbSNP rs1561222738, ClinGen allele CA891842689.